The following is an entry in ClinVar:

ClinVar aggregate classification (germline): Uncertain significance (1 of 4 stars; one submission).

Conditions:
Gorlin syndrome. Also called: Nevoid Basal Cell Carcinoma Syndrome; Basal cell nevus syndrome. Identifiers: Orphanet 377, MedGen C0004779, MONDO:0007187.

Submission:

Labcorp Genetics (formerly Invitae), Labcorp
Classification: Uncertain significance for Gorlin syndrome. Last evaluated: 2021-10-21. Review status: criteria provided, single submitter. Criteria: Invitae Variant Classification Sherloc (09022015). Collection method: clinical testing. Allele origin: germline.
Comment: This variant has not been reported in the literature in individuals affected with PTCH1-related conditions. This variant is not present in population databases (ExAC no frequency). This sequence change replaces tyrosine with cysteine at codon 55 of the PTCH1 protein (p.Tyr55Cys). The tyrosine residue is moderately conserved and there is a large physicochemical difference between tyrosine and cysteine. Advanced modeling of protein sequence and biophysical properties (such as structural, functional, and spatial information, amino acid conservation, physicochemical variation, residue mobility, and thermodynamic stability) performed at Invitae indicates that this missense variant is not expected to disrupt PTCH1 protein function. In summary, the available evidence is currently insufficient to determine the role of this variant in disease. Therefore, it has been classified as a Variant of Uncertain Significance.

NM_000264.5(PTCH1):c.164A>G (p.Tyr55Cys)

Gene: PTCH1 (patched 1; minus strand). Cytogenetic location: 9q22.32.
Variant type: single nucleotide variant.
Coding change: c.164A>G on transcript NM_000264.5 (MANE Select); coding-DNA position 164, A replaced by G.
Protein change: p.Tyr55Cys; replaces tyrosine 55 with cysteine.
Molecular consequence: missense variant. On other transcripts: non-coding transcript variant (1), intron variant (3).
Genome position (GRCh38, 1-based): chr9:95,508,198, T>C on the plus strand (A>G on the coding strand, the complement: PTCH1 is on the minus strand). VCF-style: chr9-95508198-T-C. GRCh37 (hg19) VCF-style: chr9-98270480-T-C.
Other names: c.164A>G, p.Tyr55Cys (NM_001354918.2); c.199-1599A>G (NM_001083603.3); c.4-1599A>G (NM_001083602.3, NM_001354919.2); short protein forms Y55C.
Identifiers: ClinVar variation 1498573 (VCV001498573.6), dbSNP rs1205081001, ClinGen allele CA374121319.